The following is an entry in ClinVar:

ClinVar aggregate classification (germline): Uncertain significance (1 of 4 stars; one submission).

Conditions:
Neurofibromatosis, type 1 (NF1). Also called: Peripheral type neurofibromatosis; VON RECKLINGHAUSEN DISEASE; NEUROFIBROMATOSIS, TYPE I, SOMATIC; Neurofibromatosis, type I. Identifiers: Orphanet 636, MedGen C0027831, MONDO:0018975, OMIM 162200. Disease mechanism: loss of function.

Submission:

Labcorp Genetics (formerly Invitae), Labcorp
Classification: Uncertain significance for Neurofibromatosis, type 1. Last evaluated: 2024-10-22. Review status: criteria provided, single submitter. Criteria: Invitae Variant Classification Sherloc (09022015). Collection method: clinical testing. Allele origin: germline.
Comment: This sequence change replaces lysine, which is basic and polar, with threonine, which is neutral and polar, at codon 2547 of the NF1 protein (p.Lys2547Thr). This variant is not present in population databases (gnomAD no frequency). This variant has not been reported in the literature in individuals affected with NF1-related conditions. ClinVar contains an entry for this variant (Variation ID: 1713290). Invitae Evidence Modeling of protein sequence and biophysical properties (such as structural, functional, and spatial information, amino acid conservation, physicochemical variation, residue mobility, and thermodynamic stability) has been performed for this missense variant. However, the output from this modeling did not meet the statistical confidence thresholds required to predict the impact of this variant on NF1 protein function. In summary, the available evidence is currently insufficient to determine the role of this variant in disease. Therefore, it has been classified as a Variant of Uncertain Significance.

NM_001042492.3(NF1):c.7703A>C (p.Lys2568Thr)

Gene: NF1 (neurofibromin 1; plus strand). Cytogenetic location: 17q11.2.
Variant type: single nucleotide variant.
Coding change: c.7703A>C on transcript NM_001042492.3 (MANE Select); coding-DNA position 7703, A replaced by C.
Protein change: p.Lys2568Thr; replaces lysine 2568 with threonine.
Molecular consequence: missense variant.
Genome position (GRCh38, 1-based): chr17:31,356,547, A>C. VCF-style: chr17-31356547-A-C. GRCh37 (hg19) VCF-style: chr17-29683565-A-C.
Other names: c.7640A>C, p.Lys2547Thr (NM_000267.4); short protein forms K2547T, K2568T.
Identifiers: ClinVar variation 1713290 (VCV001713290.5), dbSNP rs2508824316, ClinGen allele CA399018161.